The following is an entry in ClinVar:

NM_000548.5(TSC2):c.-30+134C>T

Genes: TSC2 (TSC complex subunit 2; plus strand), LOC130058210 (ATAC-STARR-seq lymphoblastoid silent region 7024; plus strand). Cytogenetic location: 16p13.3.
Variant type: single nucleotide variant.
Coding change: c.-30+134C>T on transcript NM_000548.5 (MANE Select); 134 bases into the intron after 30 bases upstream of the start codon, C replaced by T.
Molecular consequence: intron variant.
Genome position (GRCh38, 1-based): chr16:2,048,199, C>T. VCF-style: chr16-2048199-C-T. GRCh37 (hg19) VCF-style: chr16-2098200-C-T.
Other names: c.-30+134C>T (NM_001114382.3, NM_021055.3, NM_001370405.1 and 4 more transcripts); c.-256+134C>T (NM_001318831.2); c.-10+134C>T (NM_001318829.2).
Identifiers: ClinVar variation 677387 (VCV000677387.1), dbSNP rs568457786, ClinGen allele CA276767164.

ClinVar aggregate classification (germline): Likely benign (1 of 4 stars; one submission).

Allele frequency attached by ClinVar (database versions not stated): gnomAD exomes 0.00045; 1000 Genomes Project 0.00399; gnomAD 0.00401 and 0.00433; 1000 Genomes Project 30x 0.00468; TOPMed 0.00489.
gnomAD v4.1: 1,252 of 1,532,174 alleles (0.082%); highest among the groups gnomAD compares: African/African-American, 1.5%; 8 homozygotes.

Submission:

GeneDx
Classification: Likely benign. Last evaluated: 2018-06-14. Review status: criteria provided, single submitter. Criteria: GeneDx Variant Classification (06012015). Collection method: clinical testing. Allele origin: germline. Affected: yes.
Comment: This variant is considered likely benign or benign based on one or more of the following criteria: it is a conservative change, it occurs at a poorly conserved position in the protein, it is predicted to be benign by multiple in silico algorithms, and/or has population frequency not consistent with disease.